The following is an entry in ClinVar:

NM_017780.4(CHD7):c.344A>G (p.His115Arg)

Gene: CHD7 (chromodomain helicase DNA binding protein 7; plus strand). Cytogenetic location: 8q12.2.
Variant type: single nucleotide variant.
Coding change: c.344A>G on transcript NM_017780.4 (MANE Select); coding-DNA position 344, A replaced by G.
Protein change: p.His115Arg; replaces histidine 115 with arginine.
Molecular consequence: missense variant.
Genome position (GRCh38, 1-based): chr8:60,741,776, A>G. VCF-style: chr8-60741776-A-G. GRCh37 (hg19) VCF-style: chr8-61654335-A-G.
Other names: c.344A>G, p.His115Arg (NM_001316690.1); short protein forms H115R.
Identifiers: ClinVar variation 3360108 (VCV003360108.1).

ClinVar aggregate classification (germline): Uncertain significance (1 of 4 stars; one submission).

gnomAD v4.1: 1 of 1,613,826 alleles (0.000062%); highest among the groups gnomAD compares: Middle Eastern, 0.016%; no homozygotes.

Submission:

GeneDx
Classification: Uncertain significance. Last evaluated: 2023-06-25. Review status: criteria provided, single submitter. Criteria: GeneDx Variant Classification Process June 2021. Collection method: clinical testing. Allele origin: germline. Affected: yes.
Comment: Not observed at significant frequency in large population cohorts (gnomAD); In silico analysis supports that this missense variant does not alter protein structure/function; Has not been previously published as pathogenic or benign to our knowledge